The following is an entry in ClinVar:

NM_002471.4(MYH6):c.4914_4915inv (p.Ala1639Thr)

Genes: MYH6 (myosin heavy chain 6; minus strand), LOC126861896 (BRD4-independent group 4 enhancer GRCh37_chr14:23854904-23856103; plus strand). Cytogenetic location: 14q11.2.
Variant type: Inversion.
Coding change: c.4914_4915inv on transcript NM_002471.4 (MANE Select).
Protein change: p.Ala1639Thr; replaces alanine 1639 with threonine.
Molecular consequence: missense variant.
Genome position: GRCh38 VCF-style: chr14-23386359-CA-TG. GRCh37 (hg19) VCF-style: chr14-23855568-CA-TG.
Other names: short protein forms A1639T.
Identifiers: ClinVar variation 1431991 (VCV001431991.6), ClinGen allele CA2573149833.

ClinVar aggregate classification (germline): Uncertain significance (1 of 4 stars; one submission).

Conditions:
Hypertrophic cardiomyopathy 14. Identifiers: MedGen C2750467, MONDO:0013197, OMIM 613251.

Submission:

Labcorp Genetics (formerly Invitae), Labcorp
Classification: Uncertain significance for Hypertrophic cardiomyopathy 14. Last evaluated: 2025-02-12. Review status: criteria provided, single submitter. Criteria: Invitae Variant Classification Sherloc (09022015). Collection method: clinical testing. Allele origin: germline.
Comment: This sequence change replaces alanine, which is neutral and non-polar, with threonine, which is neutral and polar, at codon 1639 of the MYH6 protein (p.Ala1639Thr). Information on the frequency of this variant in the gnomAD database is not available, as this variant may be reported differently in the database. This variant has not been reported in the literature in individuals affected with MYH6-related conditions. ClinVar contains an entry for this variant (Variation ID: 1431991). Experimental studies and prediction algorithms are not available or were not evaluated, and the functional significance of this variant is currently unknown. In summary, the available evidence is currently insufficient to determine the role of this variant in disease. Therefore, it has been classified as a Variant of Uncertain Significance.